The following is an entry in ClinVar:

NM_172351.3(CD46):c.182A>C (p.Asp61Ala)

Gene: CD46 (CD46 molecule; plus strand). Cytogenetic location: 1q32.2.
Variant type: single nucleotide variant.
Coding change: c.182A>C on transcript NM_172351.3 (MANE Select); coding-DNA position 182, A replaced by C.
Protein change: p.Asp61Ala; replaces aspartic acid 61 with alanine.
Molecular consequence: missense variant.
Genome position (GRCh38, 1-based): chr1:207,757,098, A>C. VCF-style: chr1-207757098-A-C. GRCh37 (hg19) VCF-style: chr1-207930443-A-C.
Other names: c.182A>C, p.Asp61Ala (NM_002389.4, NM_153826.4, NM_172350.3 and 8 more transcripts); short protein forms D61A.
Identifiers: ClinVar variation 4291247 (VCV004291247.1).

ClinVar aggregate classification (germline): Uncertain significance (1 of 4 stars; one submission).

Conditions:
Atypical hemolytic-uremic syndrome. Identifiers: Orphanet 2134, MedGen C2931788, MONDO:0016244.

Submission:

Genomenon, Inc
Classification: Uncertain significance for Atypical hemolytic-uremic syndrome. Last evaluated: 2025-10-02. Review status: criteria provided, single submitter. Criteria: Genomenon Sequence Variant Interpretation Standards. Collection method: curation. Allele origin: germline. Affected: no.
Comment: CD46 p.Asp61Ala (c.182A>C) is a missense variant that changes the amino acid at residue 61 from Aspartic acid to Alanine. This variant has been reported in the published literature (PMID:16014961;26357573). It is absent or not present at a significant frequency in gnomAD. In silico models agree that this variant is not damaging. In conclusion, we classify CD46 p.Asp61Ala (c.182A>C) as a variant of uncertain significance.

Literature cited by the submitters: PubMed 16014961; PubMed 26357573.